The following is an entry in ClinVar:

NM_001130987.2(DYSF):c.389del (p.Ala130fs)

Gene: DYSF (dysferlin; plus strand). Cytogenetic location: 2p13.2.
Variant type: Deletion.
Coding change: c.389del on transcript NM_001130987.2 (MANE Select); coding-DNA position 389, one base deleted (C; older notation c.389delC).
Protein change: p.Ala130fs; shifts the reading frame from alanine 130.
Molecular consequence: frameshift variant.
Genome position (GRCh38, 1-based): chr2:71,511,850, C deleted. VCF-style (leftmost placement, unchanged base first): chr2-71511849-GC-G. GRCh37 (hg19) VCF-style: chr2-71738979-GC-G.
Other names: c.389del, p.Ala130fs (NM_001130455.2, NM_001130982.2, NM_001130983.2 and 3 more transcripts); c.386del, p.Ala129fs (NM_001130976.2, NM_001130977.2, NM_001130978.2 and 4 more transcripts); short protein forms A129fs, A130fs.
Identifiers: ClinVar variation 2844052 (VCV002844052.3), dbSNP rs2545376741, ClinGen allele CA2739274508.

ClinVar aggregate classification (germline): Pathogenic (1 of 4 stars; one submission).

Conditions:
Neuromuscular disease caused by qualitative or quantitative defects of dysferlin. Also called: Dysferlinopathy; Qualitative or quantitative defects of dysferlin. Identifiers: Orphanet 207073, MedGen C2931687, MONDO:0016145.

Submission:

Labcorp Genetics (formerly Invitae), Labcorp
Classification: Pathogenic for Neuromuscular disease caused by qualitative or quantitative defects of dysferlin. Last evaluated: 2023-05-10. Review status: criteria provided, single submitter. Criteria: Invitae Variant Classification Sherloc (09022015). Collection method: clinical testing. Allele origin: germline.
Comment: This sequence change creates a premature translational stop signal (p.Ala129Valfs*22) in the DYSF gene. It is expected to result in an absent or disrupted protein product. Loss-of-function variants in DYSF are known to be pathogenic (PMID: 17698709, 20301480). This variant is not present in population databases (gnomAD no frequency). For these reasons, this variant has been classified as Pathogenic. This variant has not been reported in the literature in individuals affected with DYSF-related conditions.

Literature cited by the submitters: PubMed 17698709; PubMed 20301480.